The following is an entry in ClinVar:

ClinVar aggregate classification (germline): Pathogenic (1 of 4 stars; one submission).

Conditions:
Familial adenomatous polyposis 1 (FAP1). Also called: FAMILIAL ADENOMATOUS POLYPOSIS 1, ATTENUATED; POLYPOSIS, ADENOMATOUS INTESTINAL. Identifiers: MedGen C2713442, MONDO:0021056, OMIM 175100. Disease mechanism: loss of function.

Submission:

Labcorp Genetics (formerly Invitae), Labcorp
Classification: Pathogenic for Familial adenomatous polyposis 1. Last evaluated: 2016-08-18. Review status: criteria provided, single submitter. Criteria: Invitae Variant Classification Sherloc (09022015). Collection method: clinical testing. Allele origin: germline.
Comment: This variant is a gross deletion of the genomic region encompassing exons 6-16 of the APC gene. The 5' boundary is likely confined to intron 6. The 3' end of this event is unknown as it extends through the termination codon beyond the assayed region for this gene and may encompass additional genes. While this deletion is not anticipated to result in nonsense mediated decay, it is expected to create a truncated APC protein. Truncating variants in APC are known to be pathogenic. A gross deletion encompassing the same exons has been reported in the literature in an individual affected with familial adenomatous polyposis (PMID: 20223039). In the literature, this copy number change is reported as a deletion of exons 5-15. For these reasons, this variant has been classified as Pathogenic.

NC_000005.10:g.(?_112780790)_(112846239_?)del

Gene: APC (APC regulator of Wnt signaling pathway; plus strand). Cytogenetic location: 5q22.2.
Variant type: Deletion.
Identifiers: ClinVar variation 417557 (VCV000417557.1).